The following is an entry in ClinVar:

NM_021098.3(CACNA1H):c.177C>T (p.Gly59=)

Gene: CACNA1H (calcium voltage-gated channel subunit alpha1 H; plus strand). Cytogenetic location: 16p13.3.
Variant type: single nucleotide variant.
Coding change: c.177C>T on transcript NM_021098.3 (MANE Select); coding-DNA position 177, C replaced by T.
Protein change: p.Gly59=; no amino-acid change (glycine 59 retained).
Molecular consequence: synonymous variant.
Genome position (GRCh38, 1-based): chr16:1,153,914, C>T. VCF-style: chr16-1153914-C-T. GRCh37 (hg19) VCF-style: chr16-1203914-C-T.
Other names: c.177C>T, p.Gly59= (NM_001005407.2).
Identifiers: ClinVar variation 771082 (VCV000771082.14), dbSNP rs775960864, ClinGen allele CA7799308.

ClinVar aggregate classification (germline): Benign/Likely benign. Review status: criteria provided, multiple submitters, no conflicts (2 of 4 stars). 3 submissions from 3 submitters: Benign (1); Likely benign (1). 1 of the submissions does not count toward it. Last evaluated 2026-01-21.

Conditions:
CACNA1H-related disorder.
Idiopathic generalized epilepsy. Also called: Generalised epilepsy; EIG. Identifiers: MedGen C0270850, MONDO:0005579, OMIM 600669.
Hyperaldosteronism, familial, type IV (HALD4). Also called: FH IV; ALDOSTERONISM, PRIMARY, AND HYPERTENSION. Identifiers: Orphanet 642671, MedGen C4310756, MONDO:0014875, OMIM 617027.

Allele frequency attached by ClinVar (database versions not stated): ExAC 0.00010; gnomAD 0.00022 and 0.00026; TOPMed 0.00042; 1000 Genomes Project 30x 0.00062.
gnomAD v4.1: 156 of 1,454,976 alleles (0.011%); highest among the groups gnomAD compares: East Asian, 0.37%; no homozygotes.

Submissions (3):

Labcorp Genetics (formerly Invitae), Labcorp
Classification: Benign for Idiopathic generalized epilepsy; Hyperaldosteronism, familial, type IV. Last evaluated: 2026-01-21. Review status: criteria provided, single submitter. Criteria: Invitae Variant Classification Sherloc (09022015). Collection method: clinical testing. Allele origin: germline.

Blueprint Genetics
Classification: Likely benign. Last evaluated: 2024-11-11. Review status: criteria provided, single submitter. Criteria: ACMG Guidelines, 2015. Collection method: clinical testing. Allele origin: germline.

PreventionGenetics, part of Exact Sciences
Classification: Benign for CACNA1H-related condition. Last evaluated: 2019-12-06. Review status: no assertion criteria provided. Collection method: clinical testing. Allele origin: germline. Not counted in ClinVar's aggregate classification.
Comment: This variant is classified as benign based on ACMG/AMP sequence variant interpretation guidelines (Richards et al. 2015 PMID: 25741868, with internal and published modifications).